The following is an entry in ClinVar:

ClinVar aggregate classification (germline): Uncertain significance (1 of 4 stars; one submission).

Conditions:
Cardiovascular phenotype. Identifiers: MedGen CN230736.

Submission:

Ambry Genetics
Classification: Uncertain significance for Cardiovascular phenotype. Last evaluated: 2021-06-18. Review status: criteria provided, single submitter. Criteria: Ambry Variant Classification Scheme 2023. Collection method: clinical testing. Allele origin: germline.
Comment: The p.R583T variant (also known as c.1748G>C), located in coding exon 15 of the RAF1 gene, results from a G to C substitution at nucleotide position 1748. The arginine at codon 583 is replaced by threonine, an amino acid with similar properties. This amino acid position is highly conserved in available vertebrate species. In addition, this alteration is predicted to be deleterious by in silico analysis. Since supporting evidence is limited at this time, the clinical significance of this alteration remains unclear.

NM_002880.4(RAF1):c.1748G>C (p.Arg583Thr)

Gene: RAF1 (Raf-1 proto-oncogene, serine/threonine kinase; minus strand). Cytogenetic location: 3p25.2.
Variant type: single nucleotide variant.
Coding change: c.1748G>C on transcript NM_002880.4 (MANE Select); coding-DNA position 1748, G replaced by C.
Protein change: p.Arg583Thr; replaces arginine 583 with threonine.
Molecular consequence: missense variant. On other transcripts: non-coding transcript variant (3).
Genome position (GRCh38, 1-based): chr3:12,584,902, C>G on the plus strand (G>C on the coding strand, the complement: RAF1 is on the minus strand). VCF-style: chr3-12584902-C-G. GRCh37 (hg19) VCF-style: chr3-12626401-C-G.
Other names: c.1808G>C, p.Arg603Thr (NM_001354689.3); c.1748G>C, p.Arg583Thr (NM_001354690.3); c.1505G>C, p.Arg502Thr (NM_001354691.3, NM_001354692.3); c.1649G>C, p.Arg550Thr (NM_001354693.3); c.1565G>C, p.Arg522Thr (NM_001354694.3); c.1406G>C, p.Arg469Thr (NM_001354695.3); short protein forms R502T, R522T, R550T, R469T, R583T, R603T.
Identifiers: ClinVar variation 1779332 (VCV001779332.2), dbSNP rs2470176083, ClinGen allele CA351496681.